The following is an entry in ClinVar:

ClinVar aggregate classification (germline): Likely benign. Review status: criteria provided, multiple submitters, no conflicts (2 of 4 stars). 2 submissions from 2 submitters: Likely benign (2). Last evaluated 2025-11-27.

Allele frequency attached by ClinVar (database versions not stated): ExAC 0.00001; gnomAD 0.00001; gnomAD exomes 0.00001; TOPMed 0.00002.
gnomAD v4.1: 24 of 1,611,170 alleles (0.0015%); highest among the groups gnomAD compares: Middle Eastern, 0.016%; 1 homozygote.

Submissions (2):

Labcorp Genetics (formerly Invitae), Labcorp
Classification: Likely benign. Last evaluated: 2025-11-27. Review status: criteria provided, single submitter. Criteria: Invitae Variant Classification Sherloc (09022015). Collection method: clinical testing. Allele origin: germline.

CeGaT Center for Human Genetics Tuebingen
Classification: Likely benign. Last evaluated: 2022-04-01. Review status: criteria provided, single submitter. Criteria: CeGaT Center For Human Genetics Tuebingen Variant Classification Criteria Version 2. Collection method: clinical testing. Allele origin: germline. Affected: yes. Observed: 1 variant allele.
Comment: YWHAG: BP4, BP7

NM_012479.4(YWHAG):c.114G>A (p.Ser38=)

Gene: YWHAG (tyrosine 3-monooxygenase/tryptophan 5-monooxygenase activation protein gamma; minus strand). Cytogenetic location: 7q11.23.
Variant type: single nucleotide variant.
Coding change: c.114G>A on transcript NM_012479.4 (MANE Select); coding-DNA position 114, G replaced by A.
Protein change: p.Ser38=; no amino-acid change (serine 38 retained).
Molecular consequence: synonymous variant.
Genome position (GRCh38, 1-based): chr7:76,330,207, C>T on the plus strand (G>A on the coding strand, the complement: YWHAG is on the minus strand). VCF-style: chr7-76330207-C-T. GRCh37 (hg19) VCF-style: chr7-75959524-C-T.
Identifiers: ClinVar variation 1626672 (VCV001626672.40), dbSNP rs749090391, ClinGen allele CA4306567.